The following is an entry in ClinVar:

ClinVar aggregate classification (germline): Uncertain significance. Review status: criteria provided, multiple submitters, no conflicts (2 of 4 stars). 2 submissions from 2 submitters: Uncertain significance (2). Last evaluated 2025-12-24.

Conditions:
Gorlin syndrome. Also called: Nevoid Basal Cell Carcinoma Syndrome; Basal cell nevus syndrome. Identifiers: Orphanet 377, MedGen C0004779, MONDO:0007187.
Hereditary cancer-predisposing syndrome. Also called: Hereditary neoplastic syndrome; Tumor predisposition; Neoplastic Syndromes, Hereditary; Hereditary Cancer Syndrome. Identifiers: Orphanet 140162, MedGen C0027672, MeSH D009386, MONDO:0015356.

gnomAD v4.1: 2 of 1,614,158 alleles (0.00012%); highest among the groups gnomAD compares: Non-Finnish European, 0.00017%; no homozygotes.

Submissions (2):

Labcorp Genetics (formerly Invitae), Labcorp
Classification: Uncertain significance for Gorlin syndrome. Last evaluated: 2025-12-24. Review status: criteria provided, single submitter. Criteria: Invitae Variant Classification Sherloc (09022015). Collection method: clinical testing. Allele origin: germline.
Comment: This sequence change replaces glutamic acid, which is acidic and polar, with aspartic acid, which is acidic and polar, at codon 1144 of the PTCH1 protein (p.Glu1144Asp). This variant is not present in population databases (gnomAD no frequency). This variant has not been reported in the literature in individuals affected with PTCH1-related conditions. ClinVar contains an entry for this variant (Variation ID: 2452343). Invitae Evidence Modeling of protein sequence and biophysical properties (such as structural, functional, and spatial information, amino acid conservation, physicochemical variation, residue mobility, and thermodynamic stability) has been performed for this missense variant. However, the output from this modeling did not meet the statistical confidence thresholds required to predict the impact of this variant on PTCH1 protein function. In summary, the available evidence is currently insufficient to determine the role of this variant in disease. Therefore, it has been classified as a Variant of Uncertain Significance.

Ambry Genetics
Classification: Uncertain significance for Hereditary cancer-predisposing syndrome. Last evaluated: 2022-12-12. Review status: criteria provided, single submitter. Criteria: Ambry Variant Classification Scheme 2023. Collection method: clinical testing. Allele origin: germline.
Comment: The p.E1144D variant (also known as c.3432G>T), located in coding exon 20 of the PTCH1 gene, results from a G to T substitution at nucleotide position 3432. The glutamic acid at codon 1144 is replaced by aspartic acid, an amino acid with highly similar properties. This amino acid position is conserved. In addition, this alteration is predicted to be deleterious by in silico analysis. Since supporting evidence is limited at this time, the clinical significance of this alteration remains unclear.

NM_000264.5(PTCH1):c.3432G>T (p.Glu1144Asp)

Gene: PTCH1 (patched 1; minus strand). Cytogenetic location: 9q22.32.
Variant type: single nucleotide variant.
Coding change: c.3432G>T on transcript NM_000264.5 (MANE Select); coding-DNA position 3432, G replaced by T.
Protein change: p.Glu1144Asp; replaces glutamic acid 1144 with aspartic acid.
Molecular consequence: missense variant. On other transcripts: non-coding transcript variant (1).
Genome position (GRCh38, 1-based): chr9:95,453,495, C>A on the plus strand (G>T on the coding strand, the complement: PTCH1 is on the minus strand). VCF-style: chr9-95453495-C-A. GRCh37 (hg19) VCF-style: chr9-98215777-C-A.
Other names: c.3234G>T, p.Glu1078Asp (NM_001083602.3); c.3429G>T, p.Glu1143Asp (NM_001083603.3); c.2979G>T, p.Glu993Asp (NM_001083604.3, NM_001083605.3, NM_001083606.3 and 1 more transcripts); c.3276G>T, p.Glu1092Asp (NM_001354918.2); short protein forms E1078D, E1143D, E1144D, E993D, E1092D.
Identifiers: ClinVar variation 2452343 (VCV002452343.4), dbSNP rs2136630962, ClinGen allele CA374111685.